The following is an entry in ClinVar:

ClinVar aggregate classification (germline): Likely pathogenic. Review status: criteria provided, single submitter (1 of 4 stars). 2 submissions from 2 submitters: Likely pathogenic (1). 1 of the submissions does not count toward it. Last evaluated 2023-05-21.

Conditions:
Zellweger spectrum disorders (ZS). Also called: Zellweger Spectrum Disorder; Zellweger Spectrum; Zellweger syndrome; Zellweger Spectrum Disorder (ZSD). Identifiers: Orphanet 912, MedGen C0043459, MONDO:0019609.

Submissions (2):

Labcorp Genetics (formerly Invitae), Labcorp
Classification: Likely pathogenic for Zellweger spectrum disorders. Last evaluated: 2023-05-21. Review status: criteria provided, single submitter. Criteria: Invitae Variant Classification Sherloc (09022015). Collection method: clinical testing. Allele origin: germline.
Comment: In summary, the currently available evidence indicates that the variant is pathogenic, but additional data are needed to prove that conclusively. Therefore, this variant has been classified as Likely Pathogenic. Algorithms developed to predict the effect of sequence changes on RNA splicing suggest that this variant may disrupt the consensus splice site. ClinVar contains an entry for this variant (Variation ID: 642219). This variant has not been reported in the literature in individuals affected with PEX1-related conditions. This variant is not present in population databases (gnomAD no frequency). This sequence change affects a donor splice site in intron 17 of the PEX1 gene. It is expected to disrupt RNA splicing. Variants that disrupt the donor or acceptor splice site typically lead to a loss of protein function (PMID: 16199547), and loss-of-function variants in PEX1 are known to be pathogenic (PMID: 9398847, 16086329, 16141001, 21031596, 26387595, 31831025).

Natera, Inc.
Classification: Likely pathogenic for Zellweger syndrome. Last evaluated: 2017-11-09. Review status: no assertion criteria provided. Collection method: clinical testing. Allele origin: germline. Not counted in ClinVar's aggregate classification.

Literature cited by the submitters: PubMed 16199547 (cited by Labcorp Genetics (formerly Invitae), Labcorp); PubMed 9398847 (cited by Labcorp Genetics (formerly Invitae), Labcorp); PubMed 16086329 (cited by Labcorp Genetics (formerly Invitae), Labcorp); PubMed 16141001 (cited by Labcorp Genetics (formerly Invitae), Labcorp); PubMed 21031596 (cited by Labcorp Genetics (formerly Invitae), Labcorp); PubMed 26387595 (cited by Labcorp Genetics (formerly Invitae), Labcorp); PubMed 31831025 (cited by Labcorp Genetics (formerly Invitae), Labcorp).

NM_000466.3(PEX1):c.2783+2T>C

Gene: PEX1 (peroxisomal biogenesis factor 1; minus strand). Cytogenetic location: 7q21.2.
Variant type: single nucleotide variant.
Coding change: c.2783+2T>C on transcript NM_000466.3 (MANE Select); the canonical splice donor site of the intron after coding-DNA position 2783, T replaced by C.
Molecular consequence: splice donor variant.
Genome position (GRCh38, 1-based): chr7:92,496,711, A>G on the plus strand (T>C on the coding strand, the complement: PEX1 is on the minus strand). VCF-style: chr7-92496711-A-G. GRCh37 (hg19) VCF-style: chr7-92126025-A-G.
Other names: c.2612+2T>C (NM_001282677.2); c.2159+2T>C (NM_001282678.2).
Identifiers: ClinVar variation 642219 (VCV000642219.9), dbSNP rs1585224312, ClinGen allele CA368170746.